The following is an entry in ClinVar:

NM_170606.3(KMT2C):c.7443-6_7443-5insTTTTTTTA

Gene: KMT2C (lysine methyltransferase 2C; minus strand). Cytogenetic location: 7q36.1.
Variant type: Insertion.
Coding change: c.7443-6_7443-5insTTTTTTTA on transcript NM_170606.3 (MANE Select); 6 bases into the intron before coding-DNA position 7443 through 5 bases into the intron before coding-DNA position 7443, TTTTTTTA inserted.
Molecular consequence: intron variant.
Genome position: GRCh38 VCF-style: chr7-152178015-T-TTAAAAAAA. GRCh37 (hg19) VCF-style: chr7-151875100-T-TTAAAAAAA.
Identifiers: ClinVar variation 1576013 (VCV001576013.32), dbSNP rs1491309235, ClinGen allele CA835337261.

ClinVar aggregate classification (germline): Benign/Likely benign. Review status: criteria provided, multiple submitters, no conflicts (2 of 4 stars). 2 submissions from 2 submitters: Benign (1); Likely benign (1). Last evaluated 2026-09-01.

Submissions (2):

CeGaT Center for Human Genetics Tuebingen
Classification: Benign. Last evaluated: 2026-09-01. Review status: criteria provided, single submitter. Criteria: CeGaT Center For Human Genetics Tuebingen Variant Classification Criteria Version 2. Collection method: clinical testing. Allele origin: germline. Affected: yes. Observed: 11 variant alleles.
Comment: KMT2C: BP4, BS1, BS2

Labcorp Genetics (formerly Invitae), Labcorp
Classification: Likely benign. Last evaluated: 2026-01-16. Review status: criteria provided, single submitter. Criteria: Invitae Variant Classification Sherloc (09022015). Collection method: clinical testing. Allele origin: germline.